The following is an entry in ClinVar:

NM_032409.3(PINK1):c.1689G>A (p.Glu563=)

Genes: PINK1 (PTEN induced kinase 1; plus strand), PINK1-AS (PINK1 antisense RNA; minus strand). Cytogenetic location: 1p36.12.
Variant type: single nucleotide variant.
Coding change: c.1689G>A on transcript NM_032409.3 (MANE Select); coding-DNA position 1689, G replaced by A.
Protein change: p.Glu563=; no amino-acid change (glutamic acid 563 retained).
Molecular consequence: synonymous variant. On other transcripts: non-coding transcript variant (1).
Genome position (GRCh38, 1-based): chr1:20,650,634, G>A. VCF-style: chr1-20650634-G-A. GRCh37 (hg19) VCF-style: chr1-20977127-G-A.
Identifiers: ClinVar variation 1591617 (VCV001591617.31), dbSNP rs752317048, ClinGen allele CA660908.

ClinVar aggregate classification (germline): Likely benign. Review status: criteria provided, multiple submitters, no conflicts (2 of 4 stars). 2 submissions from 2 submitters: Likely benign (2). Last evaluated 2023-11-01.

Conditions:
Autosomal recessive early-onset Parkinson disease 6 (PARK6). Also called: PINK1-Related Parkinson Disease; PARKINSON DISEASE 6, EARLY-ONSET; PARKINSON DISEASE 6, MODIFIER OF; PINK1 Type of Young-Onset Parkinson Disease. Identifiers: Orphanet 2828, MedGen C1853833, MONDO:0011613, OMIM 605909.

Allele frequency attached by ClinVar (database versions not stated): gnomAD 0.00001 and 0.00002; gnomAD exomes 0.00001 and 0.00002; ExAC 0.00002.
gnomAD v4.1: 18 of 1,614,210 alleles (0.0011%); highest among the groups gnomAD compares: East Asian, 0.016%; no homozygotes.

Submissions (2):

CeGaT Center for Human Genetics Tuebingen
Classification: Likely benign. Last evaluated: 2023-11-01. Review status: criteria provided, single submitter. Criteria: CeGaT Center For Human Genetics Tuebingen Variant Classification Criteria Version 2. Collection method: clinical testing. Allele origin: germline. Affected: yes. Observed: 1 variant allele.
Comment: PINK1: BP4, BP7

Labcorp Genetics (formerly Invitae), Labcorp
Classification: Likely benign for Autosomal recessive early-onset Parkinson disease 6. Last evaluated: 2022-07-18. Review status: criteria provided, single submitter. Criteria: Invitae Variant Classification Sherloc (09022015). Collection method: clinical testing. Allele origin: germline.